The following is an entry in ClinVar:

ClinVar aggregate classification (germline): Uncertain significance. Review status: criteria provided, multiple submitters, no conflicts (2 of 4 stars). 2 submissions from 2 submitters: Uncertain significance (2). Last evaluated 2026-04-23.

Conditions:
KSR2-related disorder. Also called: KSR2-related condition.

gnomAD v4.1: 8 of 1,602,528 alleles (0.0005%); highest among the groups gnomAD compares: Admixed American, 0.0087%; no homozygotes.

Submissions (2):

PreventionGenetics, part of Exact Sciences
Classification: Uncertain significance for KSR2-related condition. Last evaluated: 2026-04-23. Review status: criteria provided, single submitter. Criteria: ACMG Guidelines, 2015. Collection method: clinical testing. Allele origin: germline.
Comment: The KSR2 c.1435C>A variant is predicted to result in the amino acid substitution p.His479Asn. To our knowledge, this variant has not been reported in the literature. This variant is reported in 0.0% of alleles in individuals of African descent in gnomAD. At this time, the clinical significance of this variant is uncertain due to the absence of conclusive functional and genetic evidence.

Ambry Genetics
Classification: Uncertain significance. Last evaluated: 2025-03-17. Review status: criteria provided, single submitter. Criteria: Ambry Variant Classification Scheme 2023. Collection method: clinical testing. Allele origin: germline.

NM_173598.6(KSR2):c.1522C>A (p.His508Asn)

Gene: KSR2 (kinase suppressor of ras 2; minus strand). Cytogenetic location: 12q24.22.
Variant type: single nucleotide variant.
Coding change: c.1522C>A on transcript NM_173598.6 (MANE Select); coding-DNA position 1522, C replaced by A.
Protein change: p.His508Asn; replaces histidine 508 with asparagine.
Molecular consequence: missense variant.
Genome position (GRCh38, 1-based): chr12:117,539,884, G>T on the plus strand (C>A on the coding strand, the complement: KSR2 is on the minus strand). VCF-style: chr12-117539884-G-T. GRCh37 (hg19) VCF-style: chr12-117977689-G-T.
Other names: short protein forms H508N.
Identifiers: ClinVar variation 4045663 (VCV004045663.2).